The following is an entry in ClinVar:

ClinVar aggregate classification (germline): Uncertain significance (1 of 4 stars; one submission).

Conditions:
Spastic paraplegia. Identifiers: MedGen C0037772, HP:0001258.

Submission:

Labcorp Genetics (formerly Invitae), Labcorp
Classification: Uncertain significance for Spastic paraplegia. Last evaluated: 2022-05-27. Review status: criteria provided, single submitter. Criteria: Invitae Variant Classification Sherloc (09022015). Collection method: clinical testing. Allele origin: germline.
Comment: This variant is not present in population databases (gnomAD no frequency). In summary, the available evidence is currently insufficient to determine the role of this variant in disease. Therefore, it has been classified as a Variant of Uncertain Significance. Advanced modeling of protein sequence and biophysical properties (such as structural, functional, and spatial information, amino acid conservation, physicochemical variation, residue mobility, and thermodynamic stability) performed at Invitae indicates that this missense variant is not expected to disrupt L1CAM protein function. This variant has not been reported in the literature in individuals affected with L1CAM-related conditions. This sequence change replaces valine, which is neutral and non-polar, with leucine, which is neutral and non-polar, at codon 84 of the L1CAM protein (p.Val84Leu).

NM_001278116.2(L1CAM):c.250G>T (p.Val84Leu)

Gene: L1CAM (L1 cell adhesion molecule; minus strand). Cytogenetic location: Xq28.
Variant type: single nucleotide variant.
Coding change: c.250G>T on transcript NM_001278116.2 (MANE Select); coding-DNA position 250, G replaced by T.
Protein change: p.Val84Leu; replaces valine 84 with leucine.
Molecular consequence: missense variant.
Genome position (GRCh38, 1-based): chrX:153,872,302, C>A on the plus strand (G>T on the coding strand, the complement: L1CAM is on the minus strand). VCF-style: chrX-153872302-C-A. GRCh37 (hg19) VCF-style: chrX-153137757-C-A.
Other names: c.250G>T, p.Val84Leu (NM_000425.5, NM_024003.3); c.235G>T, p.Val79Leu (NM_001143963.2); short protein forms V79L, V84L.
Identifiers: ClinVar variation 1995161 (VCV001995161.4), dbSNP rs2521035690, ClinGen allele CA415138822.